The following is an entry in ClinVar:

ClinVar aggregate classification (germline): Uncertain significance (1 of 4 stars; one submission).

Conditions:
Primary familial hypertrophic cardiomyopathy (HCM). Identifiers: Orphanet 99739, MedGen C0949658, MeSH D024741, MONDO:0024573. Inheritance: Various modes of inheritance.
Dilated cardiomyopathy 1AA (CMD1AA). Also called: Cardiomyopathy, dilated, 1AA, with or without LVNC; CARDIOMYOPATHY, DILATED, 1AA, WITH OR WITHOUT LEFT VENTRICULAR NONCOMPACTION; CARDIOMYOPATHY, FAMILIAL HYPERTROPHIC, 23, WITH OR WITHOUT LEFT VENTRICULAR NONCOMPACTION. Identifiers: Orphanet 154, MedGen C2677338, MONDO:0012808, OMIM 612158.

Submission:

Labcorp Genetics (formerly Invitae), Labcorp
Classification: Uncertain significance for Primary familial hypertrophic cardiomyopathy; Dilated cardiomyopathy 1AA. Last evaluated: 2022-11-26. Review status: criteria provided, single submitter. Criteria: Invitae Variant Classification Sherloc (09022015). Collection method: clinical testing. Allele origin: germline.
Comment: In summary, the available evidence is currently insufficient to determine the role of this variant in disease. Therefore, it has been classified as a Variant of Uncertain Significance. Algorithms developed to predict the effect of missense changes on protein structure and function (SIFT, PolyPhen-2, Align-GVGD) all suggest that this variant is likely to be disruptive. This variant has not been reported in the literature in individuals affected with ACTN2-related conditions. This variant is not present in population databases (gnomAD no frequency). This sequence change replaces glutamic acid, which is acidic and polar, with glycine, which is neutral and non-polar, at codon 821 of the ACTN2 protein (p.Glu821Gly).

NM_001103.4(ACTN2):c.2462A>G (p.Glu821Gly)

Gene: ACTN2 (actinin alpha 2; plus strand). Cytogenetic location: 1q43.
Variant type: single nucleotide variant.
Coding change: c.2462A>G on transcript NM_001103.4 (MANE Select); coding-DNA position 2462, A replaced by G.
Protein change: p.Glu821Gly; replaces glutamic acid 821 with glycine.
Molecular consequence: missense variant. On other transcripts: non-coding transcript variant (1).
Genome position (GRCh38, 1-based): chr1:236,761,109, A>G. VCF-style: chr1-236761109-A-G. GRCh37 (hg19) VCF-style: chr1-236924409-A-G.
Other names: c.2462A>G, p.Glu821Gly (NM_001278343.2); c.1838A>G, p.Glu613Gly (NM_001278344.2); c.1712A>G, p.Glu571Gly (NM_001412150.1); short protein forms E821G, E571G, E613G.
Identifiers: ClinVar variation 2941860 (VCV002941860.3), dbSNP rs2527665303, ClinGen allele CA345391347.